The following is an entry in ClinVar:

ClinVar aggregate classification (germline): Pathogenic (1 of 4 stars; one submission).

Conditions:
Neurofibromatosis, type 2 (SWNV). Also called: NF2-Related Schwannomatosis; BILATERAL ACOUSTIC NEUROFIBROMATOSIS; SCHWANNOMATOSIS, VESTIBULAR. Identifiers: Orphanet 637, MedGen C0027832, MONDO:0007039, OMIM 101000. Disease mechanism: loss of function.

Submission:

Labcorp Genetics (formerly Invitae), Labcorp
Classification: Pathogenic for Neurofibromatosis, type 2. Last evaluated: 2017-09-06. Review status: criteria provided, single submitter. Criteria: Invitae Variant Classification Sherloc (09022015). Collection method: clinical testing. Allele origin: germline.
Comment: Loss-of-function variants in NF2 are known to be pathogenic (PMID: 9643284, 16983642). This variant has not been reported in the literature in individuals with NF2-related disease. This variant is not present in population databases (ExAC no frequency). This sequence change creates a premature translational stop signal (p.Ile188Asnfs*14) in the NF2 gene. It is expected to result in an absent or disrupted protein product. For these reasons, this variant has been classified as Pathogenic.

Literature cited by the submitters: PubMed 9643284; PubMed 16983642.

NM_000268.4(NF2):c.563_564del (p.Ile188fs)

Gene: NF2 (NF2, moesin-ezrin-radixin like (MERLIN) tumor suppressor; plus strand). Cytogenetic location: 22q12.2.
Variant type: Deletion.
Coding change: c.563_564del on transcript NM_000268.4 (MANE Select); coding-DNA positions 563 to 564, 2 bases deleted (TT; older notation c.563_564delTT).
Protein change: p.Ile188fs; shifts the reading frame from isoleucine 188.
Molecular consequence: frameshift variant. On other transcripts: non-coding transcript variant (1), intron variant (1).
Genome position (GRCh38, 1-based): chr22:29,655,640-29,655,641, TT deleted. VCF-style (leftmost placement, unchanged base first): chr22-29655639-ATT-A. GRCh37 (hg19) VCF-style: chr22-30051628-ATT-A.
Other names: c.563_564delTT (NM_000268.3); c.563_564del, p.Ile188fs (NM_016418.5, NM_181825.3, NM_181832.3); c.437_438del, p.Ile146fs (NM_181828.3); c.440_441del, p.Ile147fs (NM_181829.3); c.314_315del, p.Ile105fs (NM_181830.3, NM_181831.3); c.447+13355_447+13356del (NM_181833.3); short protein forms I105fs, I146fs, I147fs, I188fs.
Identifiers: ClinVar variation 527703 (VCV000527703.7), dbSNP rs1555993313, ClinGen allele CA645601020.
Genomic context (GRCh38, chr22:29,655,639, plus strand): 5'-TCTATTTTTTGGTAGGTAATAAATCTGTATCAGATGACTCCGGAAATGTGGGAGGAGAGA[ATT>A]ACTGCTTGGTACGCAGAGCACCGAGGCCGAGCCAGGTGAGGCCCATTCATTGTTGGTTTA-3'